The following is an entry in ClinVar:

NM_020631.6(PLEKHG5):c.1112A>C (p.Glu371Ala)

Gene: PLEKHG5 (pleckstrin homology and RhoGEF domain containing G5; minus strand). Cytogenetic location: 1p36.31.
Variant type: single nucleotide variant.
Coding change: c.1112A>C on transcript NM_020631.6 (MANE Select); coding-DNA position 1112, A replaced by C.
Protein change: p.Glu371Ala; replaces glutamic acid 371 with alanine.
Molecular consequence: missense variant.
Genome position (GRCh38, 1-based): chr1:6,471,777, T>G on the plus strand (A>C on the coding strand, the complement: PLEKHG5 is on the minus strand). VCF-style: chr1-6471777-T-G. GRCh37 (hg19) VCF-style: chr1-6531837-T-G.
Other names: c.1223A>C, p.Glu408Ala (NM_001042663.3, NM_001265592.2); c.1112A>C, p.Glu371Ala (NM_001042664.2, NM_001042665.2, NM_001265594.3 and 1 more transcripts); c.1319A>C, p.Glu440Ala (NM_001265593.2); short protein forms E371A, E440A, E408A.
Identifiers: ClinVar variation 655161 (VCV000655161.4), dbSNP rs1569861657, ClinGen allele CA338132031.
Genomic context (GRCh38, chr1:6,471,777, plus strand): 5'-CCTGGTACCTCACCCGCCGCCGCCCCCGAATCCCAGCGCACCTCACACAGCAGCCCTGAC[T>G]CTTGCAGGTTCAGGAGGCAGCACAGGAACAGCTGTGGGATCAGGGGATGGTGTGACTGGG-3'
Protein context (NP_065682.2, residues 361-381): LFLCCLLNLQ[Glu371Ala]SGLLCEVEAE

ClinVar aggregate classification (germline): Uncertain significance (1 of 4 stars; one submission).

Conditions:
Charcot-Marie-Tooth disease recessive intermediate C. Also called: CHARCOT-MARIE-TOOTH NEUROPATHY, RECESSIVE INTERMEDIATE C. Identifiers: Orphanet 369867, MedGen C3809309, MONDO:0014154, OMIM 615376.
Neuronopathy, distal hereditary motor, autosomal recessive 4. Also called: Autosomal recessive lower motor neuron disease with childhood onset; NEUROPATHY, DISTAL HEREDITARY MOTOR, AUTOSOMAL RECESSIVE 4. Identifiers: Orphanet 206580, MedGen C1970211, MONDO:0012608, OMIM 611067.

Allele frequency attached by ClinVar (database versions not stated): gnomAD 0.00001; 1000 Genomes Project 30x 0.00016.
gnomAD v4.1: 1 of 1,610,142 alleles (0.000062%); highest among the groups gnomAD compares: Admixed American, 0.0017%; no homozygotes.

Submission:

Labcorp Genetics (formerly Invitae), Labcorp
Classification: Uncertain significance for Neuronopathy, distal hereditary motor, autosomal recessive 4; Charcot-Marie-Tooth disease recessive intermediate C. Last evaluated: 2021-09-06. Review status: criteria provided, single submitter. Criteria: Invitae Variant Classification Sherloc (09022015). Collection method: clinical testing. Allele origin: germline.
Comment: This sequence change replaces glutamic acid with alanine at codon 371 of the PLEKHG5 protein (p.Glu371Ala). The glutamic acid residue is highly conserved and there is a moderate physicochemical difference between glutamic acid and alanine. This variant is not present in population databases (ExAC no frequency). This variant has not been reported in the literature in individuals affected with PLEKHG5-related conditions. Algorithms developed to predict the effect of missense changes on protein structure and function are either unavailable or do not agree on the potential impact of this missense change (SIFT: "Deleterious"; PolyPhen-2: "Benign"; Align-GVGD: "Class C0"). In summary, the available evidence is currently insufficient to determine the role of this variant in disease. Therefore, it has been classified as a Variant of Uncertain Significance.